The following is an entry in ClinVar:

ClinVar aggregate classification (germline): Uncertain significance. Review status: criteria provided, multiple submitters, no conflicts (2 of 4 stars). 2 submissions from 2 submitters: Uncertain significance (2). Last evaluated 2022-03-06.

Conditions:
Bloom syndrome (BLM). Also called: Bloom-Torre-Machacek syndrome. Identifiers: Orphanet 125, MedGen C0005859, MONDO:0008876, OMIM 210900.
Hereditary cancer-predisposing syndrome. Also called: Tumor predisposition; Hereditary neoplastic syndrome; Hereditary Cancer Syndrome; Neoplastic Syndromes, Hereditary. Identifiers: Orphanet 140162, MedGen C0027672, MeSH D009386, MONDO:0015356.

gnomAD v4.1: 2 of 1,614,024 alleles (0.00012%); highest among the groups gnomAD compares: Non-Finnish European, 0.00017%; no homozygotes.

Submissions (2):

Ambry Genetics
Classification: Uncertain significance for Hereditary cancer-predisposing syndrome. Last evaluated: 2022-03-06. Review status: criteria provided, single submitter. Criteria: Ambry Variant Classification Scheme 2023. Collection method: clinical testing. Allele origin: germline.
Comment: The p.R899G variant (also known as c.2695C>G), located in coding exon 13 of the BLM gene, results from a C to G substitution at nucleotide position 2695. The arginine at codon 899 is replaced by glycine, an amino acid with dissimilar properties. This amino acid position is conserved. In addition, this alteration is predicted to be tolerated by in silico analysis. Since supporting evidence is limited at this time, the clinical significance of this alteration remains unclear.

Labcorp Genetics (formerly Invitae), Labcorp
Classification: Uncertain significance for Bloom syndrome. Last evaluated: 2021-01-31. Review status: criteria provided, single submitter. Criteria: Invitae Variant Classification Sherloc (09022015). Collection method: clinical testing. Allele origin: germline.
Comment: This variant is not present in population databases (ExAC no frequency). This sequence change replaces arginine with glycine at codon 899 of the BLM protein (p.Arg899Gly). The arginine residue is weakly conserved and there is a moderate physicochemical difference between arginine and glycine. This variant has not been reported in the literature in individuals with BLM-related conditions. Algorithms developed to predict the effect of missense changes on protein structure and function (SIFT, PolyPhen-2, Align-GVGD) all suggest that this variant is likely to be tolerated, but these predictions have not been confirmed by published functional studies and their clinical significance is uncertain. In summary, the available evidence is currently insufficient to determine the role of this variant in disease. Therefore, it has been classified as a Variant of Uncertain Significance.

NM_000057.4(BLM):c.2695C>G (p.Arg899Gly)

Gene: BLM (BLM RecQ like helicase; plus strand). Cytogenetic location: 15q26.1.
Variant type: single nucleotide variant.
Coding change: c.2695C>G on transcript NM_000057.4 (MANE Select); coding-DNA position 2695, C replaced by G.
Protein change: p.Arg899Gly; replaces arginine 899 with glycine.
Molecular consequence: missense variant.
Genome position (GRCh38, 1-based): chr15:90,784,953, C>G. VCF-style: chr15-90784953-C-G. GRCh37 (hg19) VCF-style: chr15-91328183-C-G.
Other names: c.2695C>G, p.Arg899Gly (NM_001287246.2, NM_001287247.2); c.1570C>G, p.Arg524Gly (NM_001287248.2); short protein forms R899G, R524G.
Identifiers: ClinVar variation 1465439 (VCV001465439.10), dbSNP rs587779884, ClinGen allele CA393845911.